The following is an entry in ClinVar:

NM_000291.4(PGK1):c.23C>T (p.Thr8Met)

Gene: PGK1 (phosphoglycerate kinase 1; plus strand). Cytogenetic location: Xq21.1.
Variant type: single nucleotide variant.
Coding change: c.23C>T on transcript NM_000291.4 (MANE Select); coding-DNA position 23, C replaced by T.
Protein change: p.Thr8Met; replaces threonine 8 with methionine.
Molecular consequence: missense variant.
Genome position (GRCh38, 1-based): chrX:78,104,363, C>T. VCF-style: chrX-78104363-C-T. GRCh37 (hg19) VCF-style: chrX-77359860-C-T.
Other names: short protein forms T8M.
Identifiers: ClinVar variation 4776133 (VCV004776133.1).

ClinVar aggregate classification (germline): Uncertain significance (1 of 4 stars; one submission).

gnomAD v4.1: 5 of 1,206,701 alleles (0.00041%); highest among the groups gnomAD compares: East Asian, 0.0089%; no homozygotes.

Submission:

Labcorp Genetics (formerly Invitae), Labcorp
Classification: Uncertain significance. Last evaluated: 2025-05-14. Review status: criteria provided, single submitter. Criteria: Invitae Variant Classification Sherloc (09022015). Collection method: clinical testing. Allele origin: germline.
Comment: This sequence change replaces threonine, which is neutral and polar, with methionine, which is neutral and non-polar, at codon 8 of the PGK1 protein (p.Thr8Met). This variant is not present in population databases (gnomAD no frequency). This variant has not been reported in the literature in individuals affected with PGK1-related conditions. Invitae Evidence Modeling of protein sequence and biophysical properties (such as structural, functional, and spatial information, amino acid conservation, physicochemical variation, residue mobility, and thermodynamic stability) indicates that this missense variant is not expected to disrupt PGK1 protein function with a negative predictive value of 80%. In summary, the available evidence is currently insufficient to determine the role of this variant in disease. Therefore, it has been classified as a Variant of Uncertain Significance.